The following is an entry in ClinVar:

NM_033100.4(CDHR1):c.348+2T>A

Gene: CDHR1 (cadherin related family member 1; plus strand). Cytogenetic location: 10q23.1.
Variant type: single nucleotide variant.
Coding change: c.348+2T>A on transcript NM_033100.4 (MANE Select); the canonical splice donor site of the intron after coding-DNA position 348, T replaced by A.
Molecular consequence: splice donor variant.
Genome position (GRCh38, 1-based): chr10:84,197,838, T>A. VCF-style: chr10-84197838-T-A. GRCh37 (hg19) VCF-style: chr10-85957594-T-A.
Other names: c.348+2T>A (NM_001171971.3).
Identifiers: ClinVar variation 4855942 (VCV004855942.1).

ClinVar aggregate classification (germline): Likely pathogenic (1 of 4 stars; one submission).

Conditions:
Cone-rod dystrophy 15 (CORD15). Identifiers: MedGen C3150912, MONDO:0013348, OMIM 613660.

gnomAD v4.1: 12 of 1,613,482 alleles (0.00074%); highest among the groups gnomAD compares: Non-Finnish European, 0.001%; no homozygotes.

Submission:

3billion
Classification: Likely pathogenic for Cone-rod dystrophy 15. Last evaluated: 2025-12-15. Review status: criteria provided, single submitter. Criteria: ACMG Guidelines, 2015. Collection method: clinical testing. Allele origin: germline. Affected: yes.
Comment: The variant is observed at an extremely low frequency in the gnomAD v4.1.0 dataset (total allele frequency: <0.001%). Predicted Consequence/Location: Canonical splice site: predicted to alter splicing and result in a loss or disruption of normal protein function. Multiple pathogenic loss-of-function variants are reported downstream of the variant. In silico tools predict the variant to alter splicing and produce an abnormal transcript [SpliceAI: 1.00 (spliceogenicity >=0.2, non-spliceogenicity <0.1)]. The variant has been reported as of uncertain significance (PMID: 31964843). Therefore, this variant is classified as Likely pathogenic according to the recommendation of ACMG/AMP guideline.